The following is an entry in ClinVar:

NM_001244008.2(KIF1A):c.1028G>A (p.Ser343Asn)

Gene: KIF1A (kinesin family member 1A; minus strand). Cytogenetic location: 2q37.3.
Variant type: single nucleotide variant.
Coding change: c.1028G>A on transcript NM_001244008.2 (MANE Select); coding-DNA position 1028, G replaced by A.
Protein change: p.Ser343Asn; replaces serine 343 with asparagine.
Molecular consequence: missense variant.
Genome position (GRCh38, 1-based): chr2:240,774,192, C>T on the plus strand (G>A on the coding strand, the complement: KIF1A is on the minus strand). VCF-style: chr2-240774192-C-T. GRCh37 (hg19) VCF-style: chr2-241713609-C-T.
Other names: c.1028G>A, p.Ser343Asn (NM_001320705.2, NM_001330289.2, NM_001330290.2 and 20 more transcripts); short protein forms S343N.
Identifiers: ClinVar variation 3372855 (VCV003372855.1).
Genomic context (GRCh38, chr2:240,774,192, plus strand): 5'-CCCCCAAGACCAGGGAGCGGGAAGCAGAGCTTGTCTCCCTGGAGAACTCACCTCAGCGTG[C>T]TAAGGGTCTCATCGTAGTTGATGTCTGCAGGACTCAAGGCTGCCACCATAGCTGTCCTTG-3'
Protein context (NP_001230937.1, residues 333-353): PADINYDETL[Ser343Asn]TLRYADRAKQ

ClinVar aggregate classification (germline): Uncertain significance (1 of 4 stars; one submission).

Submission:

GeneDx
Classification: Uncertain significance. Last evaluated: 2024-04-19. Review status: criteria provided, single submitter. Criteria: GeneDx Variant Classification Process June 2021. Collection method: clinical testing. Allele origin: germline. Affected: yes.
Comment: Not observed at significant frequency in large population cohorts (gnomAD); In silico analysis supports that this missense variant has a deleterious effect on protein structure/function; Has not been previously published as pathogenic or benign to our knowledge; This variant is associated with the following publications: (PMID: 21376300, 21820098, 26125038)